The following is an entry in ClinVar:

NM_000186.4(CFH):c.3596T>C (p.Phe1199Ser)

Gene: CFH (complement factor H; plus strand). Cytogenetic location: 1q31.3.
Variant type: single nucleotide variant.
Coding change: c.3596T>C on transcript NM_000186.4 (MANE Select); coding-DNA position 3596, T replaced by C.
Protein change: p.Phe1199Ser; replaces phenylalanine 1199 with serine.
Molecular consequence: missense variant.
Genome position (GRCh38, 1-based): chr1:196,747,213, T>C. VCF-style: chr1-196747213-T-C. GRCh37 (hg19) VCF-style: chr1-196716343-T-C.
Other names: short protein forms F1199S.
Identifiers: ClinVar variation 4291626 (VCV004291626.1).

ClinVar aggregate classification (germline): Uncertain significance (1 of 4 stars; one submission).

Conditions:
Atypical hemolytic-uremic syndrome. Identifiers: Orphanet 2134, MedGen C2931788, MONDO:0016244.

Submission:

Genomenon, Inc
Classification: Uncertain significance for Atypical hemolytic-uremic syndrome. Last evaluated: 2025-10-02. Review status: criteria provided, single submitter. Criteria: Genomenon Sequence Variant Interpretation Standards - Updated. Collection method: curation. Allele origin: germline. Affected: yes.
Comment: CFH p.Phe1199Ser (c.3596T>C) is a missense variant that changes the amino acid at residue 1199 from Phenylalanine to Serine. This variant has been observed in at least one proband affected with atypical hemolytic-uremic syndrome (PMID:14978182). Additional clinical reports have been published (PMID:30982675). It is absent or not present at a significant frequency in gnomAD. In silico models agree that this variant is possibly or probably damaging. In conclusion, we classify CFH p.Phe1199Ser (c.3596T>C) as a variant of uncertain significance.

Literature cited by the submitters: PubMed 14978182; PubMed 30982675.